The following is an entry in ClinVar:

ClinVar aggregate classification (germline): Pathogenic (1 of 4 stars; one submission).

Submission:

Labcorp Genetics (formerly Invitae), Labcorp
Classification: Pathogenic. Last evaluated: 2023-06-04. Review status: criteria provided, single submitter. Criteria: Invitae Variant Classification Sherloc (09022015). Collection method: clinical testing. Allele origin: germline.
Comment: This sequence change creates a premature translational stop signal (p.Glu4231*) in the ADGRV1 gene. It is expected to result in an absent or disrupted protein product. Loss-of-function variants in ADGRV1 are known to be pathogenic (PMID: 19357117, 22135276, 22147658, 26226137, 30718709, 31047384, 32467589). This variant is not present in population databases (gnomAD no frequency). This variant has not been reported in the literature in individuals affected with ADGRV1-related conditions. For these reasons, this variant has been classified as Pathogenic.

Literature cited by the submitters: PubMed 19357117; PubMed 22135276; PubMed 22147658; PubMed 26226137; PubMed 30718709; PubMed 31047384; PubMed 32467589.

NM_032119.4(ADGRV1):c.12691G>T (p.Glu4231Ter)

Gene: ADGRV1 (adhesion G protein-coupled receptor V1; plus strand). Cytogenetic location: 5q14.3.
Variant type: single nucleotide variant.
Coding change: c.12691G>T on transcript NM_032119.4 (MANE Select); coding-DNA position 12691, G replaced by T.
Protein change: p.Glu4231Ter; replaces glutamic acid 4231 with a stop codon.
Molecular consequence: nonsense. On other transcripts: non-coding transcript variant (1).
Genome position (GRCh38, 1-based): chr5:90,778,451, G>T. VCF-style: chr5-90778451-G-T. GRCh37 (hg19) VCF-style: chr5-90074268-G-T.
Other names: short protein forms E4231*.
Identifiers: ClinVar variation 2765288 (VCV002765288.3), dbSNP rs1758488707, ClinGen allele CA360387742.